The following is an entry in ClinVar:

ClinVar aggregate classification (germline): Benign (1 of 4 stars; one submission).

Conditions:
Sessile serrated polyposis cancer syndrome (SSPCS). Identifiers: Orphanet 157798, MedGen C4310714, MONDO:0014919, OMIM 617108.

Submission:

Myriad Genetics, Inc.
Classification: Benign for Sessile serrated polyposis cancer syndrome. Last evaluated: 2026-07-01. Review status: criteria provided, single submitter. Criteria: Myriad Autosomal Dominant, Autosomal Recessive and X-Linked Classification Criteria (2023). Collection method: clinical testing. Allele origin: unknown.
Comment: This variant is considered benign. This variant is a silent/synonymous amino acid change and it is not expected to impact splicing.

NM_017763.6(RNF43):c.1230C>T (p.His410=)

Gene: RNF43 (ring finger protein 43; minus strand). Cytogenetic location: 17q22.
Variant type: single nucleotide variant.
Coding change: c.1230C>T on transcript NM_017763.6 (MANE Select); coding-DNA position 1230, C replaced by T.
Protein change: p.His410=; no amino-acid change (histidine 410 retained).
Molecular consequence: synonymous variant.
Genome position (GRCh38, 1-based): chr17:58,358,546, G>A on the plus strand (C>T on the coding strand, the complement: RNF43 is on the minus strand). VCF-style: chr17-58358546-G-A. GRCh37 (hg19) VCF-style: chr17-56435907-G-A.
Other names: c.1230C>T, p.His410= (NM_001305544.3, NM_001438820.1, NM_001438821.1 and 1 more transcripts); c.849C>T, p.His283= (NM_001305545.2, NM_001437987.1).
Identifiers: ClinVar variation 5042467 (VCV005042467.1).
Genomic context (GRCh38, chr17:58,358,546, plus strand): 5'-AGCAGCAGGGTGCTGTGAGGTGGATTGGAGGTGGCTCAGTCCCCAGCCTTGTGCATAGGG[G>A]TGCTGGGCTCCTGCCAGGCGCTGCTGCTCTCCTGGAGCCCGGGGATGTGCAGCTCTGGGG-3'
Protein context (NP_060233.3, residues 400-420): GEQQRLAGAQ[His410=]PYAQGWGLSH